The following is an entry in ClinVar:

ClinVar aggregate classification (germline): Uncertain significance (1 of 4 stars; one submission).

Allele frequency attached by ClinVar (database versions not stated): TOPMed below 0.00001.
gnomAD v4.1: 1 of 1,612,266 alleles (0.000062%); highest among the groups gnomAD compares: Non-Finnish European, 0.000085%; no homozygotes.

Submission:

Labcorp Genetics (formerly Invitae), Labcorp
Classification: Uncertain significance. Last evaluated: 2021-12-24. Review status: criteria provided, single submitter. Criteria: Invitae Variant Classification Sherloc (09022015). Collection method: clinical testing. Allele origin: germline.
Comment: This sequence change falls in intron 27 of the VPS13C gene. It does not directly change the encoded amino acid sequence of the VPS13C protein. It affects a nucleotide within the consensus splice site. This variant is not present in population databases (gnomAD no frequency). This variant has not been reported in the literature in individuals affected with VPS13C-related conditions. Variants that disrupt the consensus splice site are a relatively common cause of aberrant splicing (PMID: 17576681, 9536098). Algorithms developed to predict the effect of sequence changes on RNA splicing suggest that this variant is not likely to affect RNA splicing. In summary, the available evidence is currently insufficient to determine the role of this variant in disease. Therefore, it has been classified as a Variant of Uncertain Significance.

Literature cited by the submitters: PubMed 17576681; PubMed 9536098.

NM_020821.3(VPS13C):c.2757+4T>C

Gene: VPS13C (vacuolar protein sorting 13 homolog C; minus strand). Cytogenetic location: 15q22.2.
Variant type: single nucleotide variant.
Coding change: c.2757+4T>C on transcript NM_020821.3 (MANE Select); 4 bases into the intron after coding-DNA position 2757, T replaced by C.
Molecular consequence: intron variant.
Genome position (GRCh38, 1-based): chr15:61,972,621, A>G on the plus strand (T>C on the coding strand, the complement: VPS13C is on the minus strand). VCF-style: chr15-61972621-A-G. GRCh37 (hg19) VCF-style: chr15-62264820-A-G.
Other names: c.2628+4T>C (NM_017684.5, NM_018080.4); c.2757+4T>C (NM_001018088.3).
Identifiers: ClinVar variation 2038115 (VCV002038115.4), dbSNP rs750580342, ClinGen allele CA714664482.
Genomic context (GRCh38, chr15:61,972,621, plus strand): 5'-TGAGGATAGCTTACAAGATAGTGACAGCCAGAATATATCTATTTATAGACAAAAAAGCAC[A>G]TACTTCTTTAATTTCAAACTTGAGTAGAAGATTGATGAGCTCCTCATTTGGGACCTCTGC-3'